The following is an entry in ClinVar:

ClinVar aggregate classification (germline): Pathogenic (1 of 4 stars; one submission).

Conditions:
Mucopolysaccharidosis type 7 (MPS7). Also called: GUSB DEFICIENCY; SLY SYNDROME; MPS VII; BETA-GLUCURONIDASE DEFICIENCY. Identifiers: Orphanet 584, MedGen C0085132, MONDO:0009662, OMIM 253220.

Submission:

Labcorp Genetics (formerly Invitae), Labcorp
Classification: Pathogenic for Mucopolysaccharidosis type 7. Last evaluated: 2023-04-06. Review status: criteria provided, single submitter. Criteria: Invitae Variant Classification Sherloc (09022015). Collection method: clinical testing. Allele origin: germline.
Comment: This sequence change creates a premature translational stop signal (p.Glu109*) in the GUSB gene. It is expected to result in an absent or disrupted protein product. Loss-of-function variants in GUSB are known to be pathogenic (PMID: 19224584). This variant is not present in population databases (gnomAD no frequency). This variant has not been reported in the literature in individuals affected with GUSB-related conditions. For these reasons, this variant has been classified as Pathogenic.

Literature cited by the submitters: PubMed 19224584.

NM_000181.4(GUSB):c.325G>T (p.Glu109Ter)

Gene: GUSB (glucuronidase beta; minus strand). Cytogenetic location: 7q11.21.
Variant type: single nucleotide variant.
Coding change: c.325G>T on transcript NM_000181.4 (MANE Select); coding-DNA position 325, G replaced by T.
Protein change: p.Glu109Ter; replaces glutamic acid 109 with a stop codon.
Molecular consequence: nonsense. On other transcripts: 5 prime UTR variant (2), non-coding transcript variant (1).
Genome position (GRCh38, 1-based): chr7:65,980,295, C>A on the plus strand (G>T on the coding strand, the complement: GUSB is on the minus strand). VCF-style: chr7-65980295-C-A. GRCh37 (hg19) VCF-style: chr7-65445282-C-A.
Other names: c.325G>T, p.Glu109Ter (NM_001284290.2); c.-61G>T (NM_001293104.2); c.-5G>T (NM_001293105.2); short protein forms E109*.
Identifiers: ClinVar variation 2852702 (VCV002852702.3), dbSNP rs2484845928, ClinGen allele CA367651922.